The following is an entry in ClinVar:

NM_031935.3(HMCN1):c.6227G>A (p.Ser2076Asn)

Gene: HMCN1 (hemicentin 1; plus strand). Cytogenetic location: 1q31.1.
Variant type: single nucleotide variant.
Coding change: c.6227G>A on transcript NM_031935.3 (MANE Select); coding-DNA position 6227, G replaced by A.
Protein change: p.Ser2076Asn; replaces serine 2076 with asparagine.
Molecular consequence: missense variant.
Genome position (GRCh38, 1-based): chr1:186,041,059, G>A. VCF-style: chr1-186041059-G-A. GRCh37 (hg19) VCF-style: chr1-186010191-G-A.
Other names: short protein forms S2076N.
Identifiers: ClinVar variation 2100721 (VCV002100721.4), dbSNP rs2527648239, ClinGen allele CA343899353.

ClinVar aggregate classification (germline): Uncertain significance (1 of 4 stars; one submission).

Submission:

Labcorp Genetics (formerly Invitae), Labcorp
Classification: Uncertain significance. Last evaluated: 2022-02-20. Review status: criteria provided, single submitter. Criteria: Invitae Variant Classification Sherloc (09022015). Collection method: clinical testing. Allele origin: germline.
Comment: This sequence change replaces serine, which is neutral and polar, with asparagine, which is neutral and polar, at codon 2076 of the HMCN1 protein (p.Ser2076Asn). This variant is not present in population databases (gnomAD no frequency). This variant has not been reported in the literature in individuals affected with HMCN1-related conditions. Algorithms developed to predict the effect of missense changes on protein structure and function are either unavailable or do not agree on the potential impact of this missense change (SIFT: "Tolerated"; PolyPhen-2: "Probably Damaging"; Align-GVGD: "Class C0"). In summary, the available evidence is currently insufficient to determine the role of this variant in disease. Therefore, it has been classified as a Variant of Uncertain Significance.